The following is an entry in ClinVar:

NM_005228.5(EGFR):c.2648T>C (p.Leu883Ser)

Gene: EGFR (epidermal growth factor receptor; plus strand). Cytogenetic location: 7p11.2.
Variant type: single nucleotide variant.
Coding change: c.2648T>C on transcript NM_005228.5 (MANE Select); coding-DNA position 2648, T replaced by C.
Protein change: p.Leu883Ser; replaces leucine 883 with serine.
Molecular consequence: missense variant.
Genome position (GRCh38, 1-based): chr7:55,192,788, T>C. VCF-style: chr7-55192788-T-C. GRCh37 (hg19) VCF-style: chr7-55260481-T-C.
Other names: c.2648T>C (NM_005228.4, NM_005228.3); c.2513T>C, p.Leu838Ser (NM_001346897.2, NM_001346899.2); c.2648T>C, p.Leu883Ser (NM_001346898.2); c.2489T>C, p.Leu830Ser (NM_001346900.2); c.1847T>C, p.Leu616Ser (NM_001346941.2); short protein forms L616S, L830S, L838S, L883S.
Identifiers: ClinVar variation 1050891 (VCV001050891.11), dbSNP rs1787457693, ClinGen allele CA367580782.

ClinVar aggregate classification (germline): Uncertain significance. Review status: criteria provided, multiple submitters, no conflicts (2 of 4 stars). 3 submissions from 3 submitters: Uncertain significance (3). Last evaluated 2026-05-14.

Conditions:
Hereditary cancer-predisposing syndrome. Also called: Hereditary neoplastic syndrome; Neoplastic Syndromes, Hereditary; Tumor predisposition; Hereditary Cancer Syndrome. Identifiers: Orphanet 140162, MedGen C0027672, MeSH D009386, MONDO:0015356.
EGFR-related lung cancer (EGFR). Identifiers: MedGen CN130014.

Allele frequency attached by ClinVar (database versions not stated): gnomAD exomes below 0.00001; gnomAD 0.00001.
gnomAD v4.1: 7 of 1,614,052 alleles (0.00043%); highest among the groups gnomAD compares: East Asian, 0.0022%; no homozygotes.

Submissions (3):

Ambry Genetics
Classification: Uncertain significance for Hereditary cancer-predisposing syndrome. Last evaluated: 2026-05-14. Review status: criteria provided, single submitter. Criteria: Ambry Variant Classification Scheme 2023. Collection method: clinical testing. Allele origin: germline.
Comment: The p.L883S variant (also known as c.2648T>C), located in coding exon 22 of the EGFR gene, results from a T to C substitution at nucleotide position 2648. The leucine at codon 883 is replaced by serine, an amino acid with dissimilar properties. This amino acid position is conserved. In addition, this alteration is predicted to be deleterious by in silico analysis. Based on the available evidence, the clinical significance of this variant remains unclear.

Labcorp Genetics (formerly Invitae), Labcorp
Classification: Uncertain significance for EGFR-related lung cancer. Last evaluated: 2025-12-04. Review status: criteria provided, single submitter. Criteria: Invitae Variant Classification Sherloc (09022015). Collection method: clinical testing. Allele origin: germline.
Comment: This sequence change replaces leucine, which is neutral and non-polar, with serine, which is neutral and polar, at codon 883 of the EGFR protein (p.Leu883Ser). This variant is not present in population databases (gnomAD no frequency). This variant has not been reported in the literature in individuals affected with EGFR-related conditions. ClinVar contains an entry for this variant (Variation ID: 1050891). Invitae Evidence Modeling of protein sequence and biophysical properties (such as structural, functional, and spatial information, amino acid conservation, physicochemical variation, residue mobility, and thermodynamic stability) indicates that this missense variant is expected to disrupt EGFR protein function with a positive predictive value of 80%. In summary, the available evidence is currently insufficient to determine the role of this variant in disease. Therefore, it has been classified as a Variant of Uncertain Significance.

Quest Diagnostics Nichols Institute San Juan Capistrano
Classification: Uncertain significance. Last evaluated: 2023-11-09. Review status: criteria provided, single submitter. Criteria: Quest Diagnostics criteria. Collection method: clinical testing. Allele origin: unknown.
Comment: The EGFR c.2648T>C (p.Leu883Ser) variant has not been reported in individuals with EGFR-related conditions in the published literature. The frequency of this variant in the general population, 0.0000066 (1/152186 chromosomes (Genome Aggregation Database)), is uninformative in the assessment of its pathogenicity. Analysis of this variant using bioinformatics tools for the prediction of the effect of amino acid changes on protein structure and function yielded predictions that this variant is damaging. Based on the available information, we are unable to determine the clinical significance of this variant.